The following is an entry in ClinVar:

ClinVar aggregate classification (germline): Pathogenic (1 of 4 stars; one submission).

Submission:

Labcorp Genetics (formerly Invitae), Labcorp
Classification: Pathogenic. Last evaluated: 2025-10-07. Review status: criteria provided, single submitter. Criteria: Invitae Variant Classification Sherloc (09022015). Collection method: clinical testing. Allele origin: germline.
Comment: This sequence change creates a premature translational stop signal (p.Tyr875Ilefs*7) in the ERCC6L2 gene. It is expected to result in an absent or disrupted protein product. Loss-of-function variants in ERCC6L2 are known to be pathogenic (PMID: 24507776, 27185855, 29146883, 29987015). This variant is not present in population databases (gnomAD no frequency). This variant has not been reported in the literature in individuals affected with ERCC6L2-related conditions. For these reasons, this variant has been classified as Pathogenic.

Literature cited by the submitters: PubMed 24507776; PubMed 27185855; PubMed 29146883; PubMed 29987015.

NM_020207.7(ERCC6L2):c.2590del (p.Tyr864fs)

Gene: ERCC6L2 (ERCC excision repair 6 like 2; plus strand). Cytogenetic location: 9q22.32.
Variant type: Deletion.
Coding change: c.2590del on transcript NM_020207.7 (MANE Select); coding-DNA position 2590, one base deleted (T; older notation c.2590delT).
Protein change: p.Tyr864fs; shifts the reading frame from tyrosine 864.
Molecular consequence: frameshift variant. On other transcripts: non-coding transcript variant (1).
Genome position (GRCh38, 1-based): chr9:95,972,341, T deleted; the last of 6 consecutive T bases (chr9:95,972,336-95,972,341); deleting any one gives the same sequence. VCF-style (leftmost placement, unchanged base first): chr9-95972335-AT-A. GRCh37 (hg19) VCF-style: chr9-98734617-AT-A.
Other names: c.2590del, p.Tyr864fs (NM_001375291.1, NM_001375292.1, NM_001375293.1 and 1 more transcripts); short protein forms Y864fs.
Identifiers: ClinVar variation 4775953 (VCV004775953.1).